The following is an entry in ClinVar:

NM_014053.4(FLVCR1):c.1469C>G (p.Pro490Arg)

Gene: FLVCR1 (FLVCR choline and heme transporter 1; plus strand). Cytogenetic location: 1q32.3.
Variant type: single nucleotide variant.
Coding change: c.1469C>G on transcript NM_014053.4 (MANE Select); coding-DNA position 1469, C replaced by G.
Protein change: p.Pro490Arg; replaces proline 490 with arginine.
Molecular consequence: missense variant.
Genome position (GRCh38, 1-based): chr1:212,889,201, C>G. VCF-style: chr1-212889201-C-G. GRCh37 (hg19) VCF-style: chr1-213062543-C-G.
Other names: short protein forms P490R.
Identifiers: ClinVar variation 1358163 (VCV001358163.8), dbSNP rs2102570248, ClinGen allele CA344793865.
Genomic context (GRCh38, chr1:212,889,201, plus strand): 5'-TTTAGATATTTGGAATTTTGTTCACATTGGCTCAAGGAAAGCTCACATCAGACTATGGTC[C>G]TAAGGCAGGGAACATTTTTCTCTGTGTCTGGATGTTTATAGGCATCATATTAACAGGTAA-3'
Protein context (NP_054772.1, residues 480-500): AQGKLTSDYG[Pro490Arg]KAGNIFLCVW

ClinVar aggregate classification (germline): Uncertain significance (1 of 4 stars; one submission).

Submission:

Labcorp Genetics (formerly Invitae), Labcorp
Classification: Uncertain significance. Last evaluated: 2022-10-04. Review status: criteria provided, single submitter. Criteria: Invitae Variant Classification Sherloc (09022015). Collection method: clinical testing. Allele origin: germline.
Comment: Algorithms developed to predict the effect of missense changes on protein structure and function (SIFT, PolyPhen-2, Align-GVGD) all suggest that this variant is likely to be tolerated. In summary, the available evidence is currently insufficient to determine the role of this variant in disease. Therefore, it has been classified as a Variant of Uncertain Significance. Algorithms developed to predict the effect of sequence changes on RNA splicing suggest that this variant may create or strengthen a splice site. ClinVar contains an entry for this variant (Variation ID: 1358163). This variant has not been reported in the literature in individuals affected with FLVCR1-related conditions. This variant is not present in population databases (gnomAD no frequency). This sequence change replaces proline, which is neutral and non-polar, with arginine, which is basic and polar, at codon 490 of the FLVCR1 protein (p.Pro490Arg).